The following is an entry in ClinVar:

ClinVar aggregate classification (germline): Pathogenic (1 of 4 stars; one submission).

Submission:

CeGaT Center for Human Genetics Tuebingen
Classification: Pathogenic. Last evaluated: 2025-08-01. Review status: criteria provided, single submitter. Criteria: CeGaT Center For Human Genetics Tuebingen Variant Classification Criteria Version 2. Collection method: clinical testing. Allele origin: germline. Affected: yes. Observed: 1 variant allele.
Comment: NF2: PVS1, PM2

NM_000268.4(NF2):c.1469del (p.Pro490fs)

Gene: NF2 (NF2, moesin-ezrin-radixin like (MERLIN) tumor suppressor; plus strand). Cytogenetic location: 22q12.2.
Variant type: Deletion.
Coding change: c.1469del on transcript NM_000268.4 (MANE Select); coding-DNA position 1469, one base deleted (C; older notation c.1469delC).
Protein change: p.Pro490fs; shifts the reading frame from proline 490.
Molecular consequence: frameshift variant. On other transcripts: non-coding transcript variant (1), intron variant (1).
Genome position (GRCh38, 1-based): chr22:29,678,218, C deleted; the last of 2 consecutive C bases (chr22:29,678,217-29,678,218); deleting either gives the same sequence. VCF-style (leftmost placement, unchanged base first): chr22-29678216-AC-A. GRCh37 (hg19) VCF-style: chr22-30074205-AC-A.
Other names: c.1355del, p.Pro452fs (NM_001407053.1, NM_001407056.1); c.1346del, p.Pro449fs (NM_001407054.1, NM_001407058.1, NM_181829.3); c.1343del, p.Pro448fs (NM_001407055.1, NM_181828.3); c.1334del, p.Pro445fs (NM_001407057.1, NM_001407059.1); c.1469del, p.Pro490fs (NM_001407060.1, NM_001407066.1, NM_016418.5 and 2 more transcripts); c.1211del, p.Pro404fs (NM_001407062.1); c.1220del, p.Pro407fs (NM_001407063.1, NM_001407064.1, NM_181830.3 and 1 more transcripts); c.935del, p.Pro312fs (NM_001407065.1); and 2 more; short protein forms P312fs, P404fs, P407fs, P413fs, P445fs, P448fs, P449fs, P452fs.
Identifiers: ClinVar variation 4281336 (VCV004281336.7).